The following is an entry in ClinVar:

NM_001378454.1(ALMS1):c.8211T>C (p.Thr2737=)

Gene: ALMS1 (ALMS1 centrosome and basal body associated protein; plus strand). Cytogenetic location: 2p13.1.
Variant type: single nucleotide variant.
Coding change: c.8211T>C on transcript NM_001378454.1 (MANE Select); coding-DNA position 8211, T replaced by C.
Protein change: p.Thr2737=; no amino-acid change (threonine 2737 retained).
Molecular consequence: synonymous variant.
Genome position (GRCh38, 1-based): chr2:73,490,170, T>C. VCF-style: chr2-73490170-T-C. GRCh37 (hg19) VCF-style: chr2-73717297-T-C.
Other names: c.8214T>C, p.Thr2738= (NM_015120.4).
Identifiers: ClinVar variation 510032 (VCV000510032.4), dbSNP rs759935089, ClinGen allele CA427001155.

ClinVar aggregate classification (germline): Likely benign. Review status: criteria provided, multiple submitters, no conflicts (2 of 4 stars). 2 submissions from 2 submitters: Likely benign (2). Last evaluated 2023-09-21.

Conditions:
Alstrom syndrome (ALMS). Identifiers: Orphanet 64, MedGen C0268425, MONDO:0008763, OMIM 203800.

gnomAD v4.1: 1 of 1,614,106 alleles (0.000062%); highest among the groups gnomAD compares: African/African-American, 0.0013%; no homozygotes.

Submissions (2):

Labcorp Genetics (formerly Invitae), Labcorp
Classification: Likely benign for Alstrom syndrome. Last evaluated: 2023-09-21. Review status: criteria provided, single submitter. Criteria: Invitae Variant Classification Sherloc (09022015). Collection method: clinical testing. Allele origin: germline.

GeneDx
Classification: Likely benign. Last evaluated: 2017-06-08. Review status: criteria provided, single submitter. Criteria: GeneDx Variant Classification (06012015). Collection method: clinical testing. Allele origin: germline. Affected: yes.
Comment: This variant is considered likely benign or benign based on one or more of the following criteria: it is a conservative change, it occurs at a poorly conserved position in the protein, it is predicted to be benign by multiple in silico algorithms, and/or has population frequency not consistent with disease.